The following is an entry in ClinVar:

NM_002098.6(GUCA1B):c.475+1G>A

Gene: GUCA1B (guanylate cyclase activator 1B; minus strand). Cytogenetic location: 6p21.1.
Variant type: single nucleotide variant.
Coding change: c.475+1G>A on transcript NM_002098.6 (MANE Select); the canonical splice donor site of the intron after coding-DNA position 475, G replaced by A.
Molecular consequence: splice donor variant.
Genome position (GRCh38, 1-based): chr6:42,185,679, C>T on the plus strand (G>A on the coding strand, the complement: GUCA1B is on the minus strand). VCF-style: chr6-42185679-C-T. GRCh37 (hg19) VCF-style: chr6-42153417-C-T.
Identifiers: ClinVar variation 2106869 (VCV002106869.4), dbSNP rs1467905675, ClinGen allele CA364112307.

ClinVar aggregate classification (germline): Uncertain significance (1 of 4 stars; one submission).

Allele frequency attached by ClinVar (database versions not stated): gnomAD exomes below 0.00001; TOPMed below 0.00001.
gnomAD v4.1: 4 of 1,536,498 alleles (0.00026%); highest among the groups gnomAD compares: Middle Eastern, 0.017%; no homozygotes.

Submission:

Labcorp Genetics (formerly Invitae), Labcorp
Classification: Uncertain significance. Last evaluated: 2022-09-29. Review status: criteria provided, single submitter. Criteria: Invitae Variant Classification Sherloc (09022015). Collection method: clinical testing. Allele origin: germline.
Comment: In summary, the available evidence is currently insufficient to determine the role of this variant in disease. Therefore, it has been classified as a Variant of Uncertain Significance. Variants that disrupt the consensus splice site are a relatively common cause of aberrant splicing (PMID: 17576681, 9536098). Algorithms developed to predict the effect of sequence changes on RNA splicing suggest that this variant may disrupt the consensus splice site. This variant has not been reported in the literature in individuals affected with GUCA1B-related conditions. This variant is present in population databases (no rsID available, gnomAD 0.006%). This sequence change falls in intron 3 of the GUCA1B gene. It does not directly change the encoded amino acid sequence of the GUCA1B protein. It affects a nucleotide within the consensus splice site.

Literature cited by the submitters: PubMed 17576681; PubMed 9536098.